The following is an entry in ClinVar:

ClinVar aggregate classification (germline): Uncertain significance (1 of 4 stars; one submission).

Allele frequency attached by ClinVar (database versions not stated): gnomAD exomes below 0.00001.
gnomAD v4.1: 4 of 1,612,502 alleles (0.00025%); highest among the groups gnomAD compares: Non-Finnish European, 0.00034%; no homozygotes.

Submission:

Ambry Genetics
Classification: Uncertain significance. Last evaluated: 2023-09-14. Review status: criteria provided, single submitter. Criteria: Ambry Variant Classification Scheme 2023. Collection method: clinical testing. Allele origin: germline.
Comment: The p.H1066R variant (also known as c.3197A>G), located in coding exon 16 of the POLQ gene, results from an A to G substitution at nucleotide position 3197. The histidine at codon 1066 is replaced by arginine, an amino acid with highly similar properties. This amino acid position is conserved. In addition, this alteration is predicted to be tolerated by in silico analysis. Since supporting evidence is limited at this time, the clinical significance of this alteration remains unclear.

NM_199420.4(POLQ):c.3197A>G (p.His1066Arg)

Gene: POLQ (DNA polymerase theta; minus strand). Cytogenetic location: 3q13.33.
Variant type: single nucleotide variant.
Coding change: c.3197A>G on transcript NM_199420.4 (MANE Select); coding-DNA position 3197, A replaced by G.
Protein change: p.His1066Arg; replaces histidine 1066 with arginine.
Molecular consequence: missense variant.
Genome position (GRCh38, 1-based): chr3:121,489,734, T>C on the plus strand (A>G on the coding strand, the complement: POLQ is on the minus strand). VCF-style: chr3-121489734-T-C. GRCh37 (hg19) VCF-style: chr3-121208581-T-C.
Other names: short protein forms H1066R.
Identifiers: ClinVar variation 2625556 (VCV002625556.2), dbSNP rs2546787691, ClinGen allele CA354101339.
Genomic context (GRCh38, chr3:121,489,734, plus strand): 5'-TCATCTAAGGTAAACGGGTCTTCACAAAGACTAGGATTAGACAGAGTCTGTCCTTGTAAA[T>C]GGATTCTACACGCTCCAGAGTCTTTCAGGGGGCTGCTGTCCCTAGATCGCTTTAGATGCT-3'
Protein context (NP_955452.3, residues 1056-1076): PLKDSGACRI[His1066Arg]LQGQTLSNPS